The following is an entry in ClinVar:

ClinVar aggregate classification (germline): Uncertain significance. Review status: criteria provided, multiple submitters, no conflicts (2 of 4 stars). 3 submissions from 3 submitters: Uncertain significance (3). Last evaluated 2025-01-21.

Conditions:
Cardiovascular phenotype. Identifiers: MedGen CN230736.
Hereditary cancer-predisposing syndrome. Also called: Hereditary neoplastic syndrome; Neoplastic Syndromes, Hereditary; Tumor predisposition; Hereditary Cancer Syndrome. Identifiers: Orphanet 140162, MedGen C0027672, MeSH D009386, MONDO:0015356.

gnomAD v4.1: 4 of 1,589,112 alleles (0.00025%); highest among the groups gnomAD compares: Non-Finnish European, 0.00034%; no homozygotes.

Submissions (3):

Labcorp Genetics (formerly Invitae), Labcorp
Classification: Uncertain significance. Last evaluated: 2025-01-21. Review status: criteria provided, single submitter. Criteria: Invitae Variant Classification Sherloc (09022015). Collection method: clinical testing. Allele origin: germline.
Comment: This sequence change replaces arginine, which is basic and polar, with glycine, which is neutral and non-polar, at codon 494 of the LZTR1 protein (p.Arg494Gly). This variant is not present in population databases (gnomAD no frequency). This variant has not been reported in the literature in individuals affected with LZTR1-related conditions. ClinVar contains an entry for this variant (Variation ID: 1684869). Invitae Evidence Modeling of protein sequence and biophysical properties (such as structural, functional, and spatial information, amino acid conservation, physicochemical variation, residue mobility, and thermodynamic stability) indicates that this missense variant is not expected to disrupt LZTR1 protein function with a negative predictive value of 80%. In summary, the available evidence is currently insufficient to determine the role of this variant in disease. Therefore, it has been classified as a Variant of Uncertain Significance.

Ambry Genetics
Classification: Uncertain significance for Cardiovascular phenotype; Hereditary cancer-predisposing syndrome. Last evaluated: 2025-01-16. Review status: criteria provided, single submitter. Criteria: Ambry Variant Classification Scheme 2023. Collection method: clinical testing. Allele origin: germline.
Comment: The p.R494G variant (also known as c.1480A>G), located in coding exon 14 of the LZTR1 gene, results from an A to G substitution at nucleotide position 1480. The arginine at codon 494 is replaced by glycine, an amino acid with dissimilar properties. This amino acid position is conserved. In addition, this alteration is predicted to be tolerated by in silico analysis. Since supporting evidence is limited at this time, the clinical significance of this alteration remains unclear.

Mendelics
Classification: Uncertain significance. Last evaluated: 2022-05-04. Review status: criteria provided, single submitter. Criteria: Mendelics Assertion Criteria 2019. Collection method: clinical testing. Allele origin: germline.

NM_006767.4(LZTR1):c.1480A>G (p.Arg494Gly)

Gene: LZTR1 (leucine zipper like post translational regulator 1; plus strand). Cytogenetic location: 22q11.21.
Variant type: single nucleotide variant.
Coding change: c.1480A>G on transcript NM_006767.4 (MANE Select); coding-DNA position 1480, A replaced by G.
Protein change: p.Arg494Gly; replaces arginine 494 with glycine.
Molecular consequence: missense variant.
Genome position (GRCh38, 1-based): chr22:20,994,134, A>G. VCF-style: chr22-20994134-A-G. GRCh37 (hg19) VCF-style: chr22-21348423-A-G.
Other names: short protein forms R494G.
Identifiers: ClinVar variation 1684869 (VCV001684869.9), dbSNP rs2147967253, ClinGen allele CA410775557.
Genomic context (GRCh38, chr22:20,994,134, plus strand): 5'-GGGTGTCCTTGAGCTCCCTTCTCCCCACAGAAGCTGGAGCAGGAGGCCGCCCCAGTTCCC[A>G]GGGAGGCCCCCGGCGTGGCTGCTGGTGGGGCCCGGCCGCCCCTGCTGCACGTGGCCATCC-3'
Protein context (NP_006758.2, residues 484-504): KLEQEAAPVP[Arg494Gly]EAPGVAAGGA